The following is an entry in ClinVar:

ClinVar aggregate classification (germline): Uncertain significance (1 of 4 stars; one submission).

Submission:

CeGaT Center for Human Genetics Tuebingen
Classification: Uncertain significance. Last evaluated: 2025-05-01. Review status: criteria provided, single submitter. Criteria: CeGaT Center For Human Genetics Tuebingen Variant Classification Criteria Version 2. Collection method: clinical testing. Allele origin: germline. Affected: yes. Observed: 1 variant allele.
Comment: COMP: PM2

NM_000095.3(COMP):c.1060del (p.Gln354fs)

Gene: COMP (cartilage oligomeric matrix protein; minus strand). Cytogenetic location: 19p13.11.
Variant type: Deletion.
Coding change: c.1060del on transcript NM_000095.3 (MANE Select); coding-DNA position 1060, one base deleted (C; older notation c.1060delC).
Protein change: p.Gln354fs; shifts the reading frame from glutamine 354.
Molecular consequence: frameshift variant.
Genome position (GRCh38, 1-based): chr19:18,787,566, G deleted on the plus strand (C on the coding strand, the reverse complement: COMP is on the minus strand); the first of 3 consecutive G bases (chr19:18,787,566-18,787,568); deleting any one gives the same sequence. VCF-style (leftmost placement, unchanged base first): chr19-18787565-TG-T. GRCh37 (hg19) VCF-style: chr19-18898374-TG-T.
Other names: short protein forms Q354fs.
Identifiers: ClinVar variation 3905291 (VCV003905291.10).